The following is an entry in ClinVar:

ClinVar aggregate classification (germline): Conflicting classifications of pathogenicity. Review status: criteria provided, conflicting classifications (1 of 4 stars). 2 submissions from 2 submitters: Likely pathogenic (1); Uncertain significance (1). Last evaluated 2023-12-09.

Conditions:
Mucopolysaccharidosis, MPS-III-B (MPS3B). Also called: MPS III B; MUCOPOLYSACCHARIDOSIS, TYPE IIIB; N-ACETYL-ALPHA-D-GLUCOSAMINIDASE DEFICIENCY; NAGLU DEFICIENCY; SANFILIPPO SYNDROME B; Mucopolysaccharidosis type IIIB (Sanfilippo B). Identifiers: Orphanet 79270, MedGen C0086648, MONDO:0009656, OMIM 252920.
Charcot-Marie-Tooth disease axonal type 2V. Also called: CHARCOT-MARIE-TOOTH NEUROPATHY, TYPE 2V; CHARCOT-MARIE-TOOTH DISEASE, AXONAL, AUTOSOMAL DOMINANT, TYPE 2V. Identifiers: Orphanet 447964, MedGen C5569050, MONDO:0014665, OMIM 616491.

Submissions (2):

Labcorp Genetics (formerly Invitae), Labcorp
Classification: Likely pathogenic for Charcot-Marie-Tooth disease axonal type 2V; Mucopolysaccharidosis, MPS-III-B. Last evaluated: 2023-12-09. Review status: criteria provided, single submitter. Criteria: Invitae Variant Classification Sherloc (09022015). Collection method: clinical testing. Allele origin: germline.
Comment: This sequence change replaces aspartic acid, which is acidic and polar, with tyrosine, which is neutral and polar, at codon 382 of the NAGLU protein (p.Asp382Tyr). This variant is not present in population databases (gnomAD no frequency). This missense change has been observed in individual(s) with mucopolysaccharidosis type III (PMID: 30809705). ClinVar contains an entry for this variant (Variation ID: 638093). Advanced modeling of protein sequence and biophysical properties (such as structural, functional, and spatial information, amino acid conservation, physicochemical variation, residue mobility, and thermodynamic stability) performed at Invitae indicates that this missense variant is expected to disrupt NAGLU protein function with a positive predictive value of 95%. In summary, the currently available evidence indicates that the variant is pathogenic, but additional data are needed to prove that conclusively. Therefore, this variant has been classified as Likely Pathogenic.

Laboratory of Diagnosis and Therapy of Lysosomal Disorders, University of Padova
Classification: Uncertain significance for Mucopolysaccharidosis, MPS-III-B. Last evaluated: 2019-01-01. Review status: criteria provided, single submitter. Criteria: ACMG Guidelines, 2015. Collection method: literature only. Allele origin: germline. Affected: yes.
Comment: PM2: Absent from GnomAD. PP3:multiple lines of computational evidence supporting a deleterious effect (DANN, MutationTaster, GERP, SIFT)

Literature cited by the submitters: PubMed 30809705 (cited by Labcorp Genetics (formerly Invitae), Labcorp and Laboratory of Diagnosis and Therapy of Lysosomal Disorders, University of Padova).

NM_000263.4(NAGLU):c.1144G>T (p.Asp382Tyr)

Gene: NAGLU (N-acetyl-alpha-glucosaminidase; plus strand). Cytogenetic location: 17q21.2.
Variant type: single nucleotide variant.
Coding change: c.1144G>T on transcript NM_000263.4 (MANE Select); coding-DNA position 1144, G replaced by T.
Protein change: p.Asp382Tyr; replaces aspartic acid 382 with tyrosine.
Molecular consequence: missense variant.
Genome position (GRCh38, 1-based): chr17:42,543,150, G>T. VCF-style: chr17-42543150-G-T. GRCh37 (hg19) VCF-style: chr17-40695168-G-T.
Other names: short protein forms D382Y.
Identifiers: ClinVar variation 638093 (VCV000638093.4), dbSNP rs1599260473, ClinGen allele CA399601217.